The following is an entry in ClinVar:

NM_015958.3(DPH5):c.672G>C (p.Arg224Ser)

Genes: DPH5 (diphthamide biosynthesis 5; minus strand), SLC30A7 (solute carrier family 30 member 7; plus strand). Cytogenetic location: 1p21.2.
Variant type: single nucleotide variant.
Coding change: c.672G>C on transcript NM_015958.3 (MANE Select); coding-DNA position 672, G replaced by C.
Protein change: p.Arg224Ser; replaces arginine 224 with serine.
Molecular consequence: missense variant.
Genome position (GRCh38, 1-based): chr1:100,990,594, C>G on the plus strand (G>C on the coding strand, the complement: DPH5 is on the minus strand). VCF-style: chr1-100990594-C-G. GRCh37 (hg19) VCF-style: chr1-101456150-C-G.
Other names: c.672G>C, p.Arg224Ser (NM_001077394.2); c.669G>C, p.Arg223Ser (NM_001077395.2); short protein forms R223S, R224S.
Identifiers: ClinVar variation 4854881 (VCV004854881.1).

ClinVar aggregate classification (germline): Uncertain significance (1 of 4 stars; one submission).

Conditions:
Neurodevelopmental disorder with short stature, prominent forehead, and feeding difficulties (NEDSFF). Also called: DPH5-related diphthamide-deficiency syndrome. Identifiers: MedGen C5774228, MONDO:0859295, OMIM 620070.

Submission:

3billion
Classification: Uncertain significance for Neurodevelopmental disorder with short stature, prominent forehead, and feeding difficulties. Last evaluated: 2025-09-28. Review status: criteria provided, single submitter. Criteria: ACMG Guidelines, 2015. Collection method: clinical testing. Allele origin: germline. Affected: yes.
Comment: The variant is not observed in the gnomAD v4.1.0 dataset. Predicted Consequence/Location: Missense variant In silico tool predictions suggest damaging effect of the variant on gene or gene product [3Cnet: 0.98 (> 0.75, sensitivity 0.96 and precision 0.92)]. Therefore, this variant is classified as VUS according to the recommendation of ACMG/AMP guideline.